The following is an entry in ClinVar:

NM_014314.4(RIGI):c.2776T>C (p.Ter926Arg)

Gene: RIGI (RNA sensor RIG-I; minus strand). Cytogenetic location: 9p21.1.
Variant type: single nucleotide variant.
Coding change: c.2776T>C on transcript NM_014314.4 (MANE Select); coding-DNA position 2776, T replaced by C.
Protein change: p.Ter926Arg.
Molecular consequence: stop lost.
Genome position (GRCh38, 1-based): chr9:32,457,124, A>G on the plus strand (T>C on the coding strand, the complement: RIGI is on the minus strand). VCF-style: chr9-32457124-A-G. GRCh37 (hg19) VCF-style: chr9-32457122-A-G.
Other names: c.2770T>C, p.Ter924Arg (NM_001385907.1); c.2605T>C, p.Ter869Arg (NM_001385909.1); c.2335T>C, p.Ter779Arg (NM_001385910.1); c.2167T>C, p.Ter723Arg (NM_001385912.1); c.2761T>C, p.Ter921Arg (NM_001385913.1); c.2332T>C, p.Ter778Arg (NM_001385914.1).
Identifiers: ClinVar variation 2086745 (VCV002086745.4), dbSNP rs565422288, ClinGen allele CA373141421.

ClinVar aggregate classification (germline): Uncertain significance (1 of 4 stars; one submission).

gnomAD v4.1: 1 of 1,612,028 alleles (0.000062%); highest among the groups gnomAD compares: Non-Finnish European, 0.000085%; no homozygotes.

Submission:

Labcorp Genetics (formerly Invitae), Labcorp
Classification: Uncertain significance. Last evaluated: 2022-01-17. Review status: criteria provided, single submitter. Criteria: Invitae Variant Classification Sherloc (09022015). Collection method: clinical testing. Allele origin: germline.
Comment: This variant has not been reported in the literature in individuals affected with DDX58-related conditions. This sequence change disrupts the translational stop signal of the DDX58 mRNA. It is expected to extend the length of the DDX58 protein by 33 additional amino acid residues. This variant is not present in population databases (gnomAD no frequency). In summary, the available evidence is currently insufficient to determine the role of this variant in disease. Therefore, it has been classified as a Variant of Uncertain Significance.